The following is an entry in ClinVar:

ClinVar aggregate classification (germline): Uncertain significance (1 of 4 stars; one submission).

Allele frequency attached by ClinVar (database versions not stated): gnomAD 0.00030 and 0.00031; TOPMed 0.00030; ESP Exome Variant Server 0.00031; ExAC 0.00044.
gnomAD v4.1: 793 of 1,613,502 alleles (0.049%); highest among the groups gnomAD compares: Non-Finnish European, 0.062%; 1 homozygote.

Submission:

Labcorp Genetics (formerly Invitae), Labcorp
Classification: Uncertain significance. Last evaluated: 2022-08-16. Review status: criteria provided, single submitter. Criteria: Invitae Variant Classification Sherloc (09022015). Collection method: clinical testing. Allele origin: germline.
Comment: This sequence change replaces serine, which is neutral and polar, with cysteine, which is neutral and slightly polar, at codon 41 of the CEP63 protein (p.Ser41Cys). This variant is present in population databases (rs146294786, gnomAD 0.08%). This variant has not been reported in the literature in individuals affected with CEP63-related conditions. ClinVar contains an entry for this variant (Variation ID: 1351640). Algorithms developed to predict the effect of missense changes on protein structure and function are either unavailable or do not agree on the potential impact of this missense change (SIFT: "Deleterious"; PolyPhen-2: "Possibly Damaging"; Align-GVGD: "Class C15"). In summary, the available evidence is currently insufficient to determine the role of this variant in disease. Therefore, it has been classified as a Variant of Uncertain Significance.

NM_001353108.3(CEP63):c.122C>G (p.Ser41Cys)

Gene: CEP63 (centrosomal protein 63; plus strand). Cytogenetic location: 3q22.2.
Variant type: single nucleotide variant.
Coding change: c.122C>G on transcript NM_001353108.3 (MANE Select); coding-DNA position 122, C replaced by G.
Protein change: p.Ser41Cys; replaces serine 41 with cysteine.
Molecular consequence: missense variant. On other transcripts: 5 prime UTR variant (1), non-coding transcript variant (4).
Genome position (GRCh38, 1-based): chr3:134,507,186, C>G. VCF-style: chr3-134507186-C-G. GRCh37 (hg19) VCF-style: chr3-134226028-C-G.
Other names: c.122C>G, p.Ser41Cys (NM_001042383.2, NM_001042384.2, NM_001042400.3 and 13 more transcripts); c.149C>G, p.Ser50Cys (NM_001353118.1); c.38C>G, p.Ser13Cys (NM_001353125.2); c.-260C>G (NM_001353126.2); short protein forms S41C, S50C, S13C.
Identifiers: ClinVar variation 1351640 (VCV001351640.3), dbSNP rs146294786, ClinGen allele CA2628265.
Genomic context (GRCh38, chr3:134,507,186, plus strand): 5'-GTGAAGCAGAACTACAGGAGCTCATGAAACAGATTGACATAATGGTGGCTCATAAAAAAT[C>G]TGAATGGGAAGGACGTACACATGCTCTAGAAACTTGCTTGAAAATCCGTGAACAGGAACT-3'
Protein context (NP_001340037.1, residues 31-51): QIDIMVAHKK[Ser41Cys]EWEGRTHALE